The following is an entry in ClinVar:

NM_002693.3(POLG):c.328C>T (p.His110Tyr)

Genes: POLG (DNA polymerase gamma, catalytic subunit; minus strand), POLGARF (POLG alternative reading frame; minus strand). Cytogenetic location: 15q26.1.
Variant type: single nucleotide variant.
Coding change: c.328C>T on transcript NM_002693.3 (MANE Select); coding-DNA position 328, C replaced by T.
Protein change: p.His110Tyr; replaces histidine 110 with tyrosine.
Molecular consequence: missense variant.
Genome position (GRCh38, 1-based): chr15:89,333,427, G>A on the plus strand (C>T on the coding strand, the complement: POLG is on the minus strand). VCF-style: chr15-89333427-G-A. GRCh37 (hg19) VCF-style: chr15-89876658-G-A.
Other names: p.H110Y:CAC>TAC; c.328C>T, p.His110Tyr (NM_001126131.2); short protein forms H110Y.
Identifiers: ClinVar variation 206619 (VCV000206619.37), dbSNP rs139599587, ClinGen allele CA316877.
Genomic context (GRCh38, chr15:89,333,427, plus strand): 5'-GGGGCGGCAGGCGCAGCTCCACGTCGGGCAAGGGCACGGCTGGCTGCCCCCAGAGCCCGT[G>A]CTTCTGCAGGTGCTCGACGCTGCGGCGCACCGCGGCCTCGCCAGGCATCTCCCCTCCTTG-3'
Protein context (NP_002684.1, residues 100-120): VRRSVEHLQK[His110Tyr]GLWGQPAVPL

ClinVar aggregate classification (germline): Conflicting classifications of pathogenicity. Review status: criteria provided, conflicting classifications (1 of 4 stars). 11 submissions from 11 submitters: Uncertain significance (10); Benign (1). Last evaluated 2026-01-13.

Conditions:
Inborn genetic diseases. Identifiers: MedGen C0950123, MeSH D030342.
POLG-related disorder. Also called: POLG-related condition; POLG-Related Disorders; POLG-Related Spectrum Disorders. Identifiers: MedGen C4763519.
Progressive sclerosing poliodystrophy (MTDPS4A). Also called: Mitochondrial DNA depletion syndrome 4A (Alpers type); Alpers Syndrome; NEURONAL DEGENERATION OF CHILDHOOD WITH LIVER DISEASE, PROGRESSIVE; ALPERS PROGRESSIVE INFANTILE POLIODYSTROPHY; ALPERS DIFFUSE DEGENERATION OF CEREBRAL GRAY MATTER WITH HEPATIC CIRRHOSIS; Alpers-Huttenlocher Syndrome. Identifiers: Orphanet 726, MedGen C0205710, MONDO:0008758, OMIM 203700.
Progressive external ophthalmoplegia with mitochondrial DNA deletions, autosomal dominant 1 (PEOA1). Also called: PROGRESSIVE EXTERNAL OPHTHALMOPLEGIA, AUTOSOMAL DOMINANT 1; Autosomal Dominant Progressive External Ophthalmoplegia (adPEO). Identifiers: MedGen C1834846, MONDO:0024528, OMIM 157640.
Progressive external ophthalmoplegia with mitochondrial DNA deletions, autosomal recessive 1 (PEOB1). Also called: Progressive external ophthalmoplegia, autosomal recessive 1; Autosomal Recessive Progressive External Ophthalmoplegia (arPEO). Identifiers: Orphanet 254886, MedGen C4225153, MONDO:0009783, OMIM 258450.
Mitochondrial DNA depletion syndrome 4b. Also called: Mitochondrial Neurogastrointestinal Encephalopathy Disease, POLG-Related; MNGIE, POLG-RELATED. Identifiers: Orphanet 298, MedGen C3150914, MONDO:0013350, OMIM 613662.
Sensory ataxic neuropathy, dysarthria, and ophthalmoparesis (SANDO). Also called: Epilepsy, progressive myoclonic, type 5; SENSORY ATAXIC NEUROPATHY WITH MITOCHONDRIAL DNA DELETIONS, AUTOSOMAL RECESSIVE; Ataxia Neuropathy Spectrum (ANS); Sensory ataxic neuropathy-dysarthria-ophthalmoparesis syndrome. Identifiers: Orphanet 70595, MedGen C1843851, MONDO:0011835, OMIM 607459.

Allele frequency attached by ClinVar (database versions not stated): gnomAD exomes 0.00006 and 0.00018; ExAC 0.00019; gnomAD 0.00026 and 0.00028; TOPMed 0.00028; ESP Exome Variant Server 0.00038; 1000 Genomes Project 0.00080; 1000 Genomes Project 30x 0.00094.
gnomAD v4.1: 136 of 1,608,446 alleles (0.0085%); highest among the groups gnomAD compares: African/African-American, 0.075%; 1 homozygote.

Submissions (11):

Labcorp Genetics (formerly Invitae), Labcorp
Classification: Uncertain significance for Progressive sclerosing poliodystrophy. Last evaluated: 2026-01-13. Review status: criteria provided, single submitter. Criteria: Invitae Variant Classification Sherloc (09022015). Collection method: clinical testing. Allele origin: germline.
Comment: This sequence change replaces histidine, which is basic and polar, with tyrosine, which is neutral and polar, at codon 110 of the POLG protein (p.His110Tyr). This variant is present in population databases (rs139599587, gnomAD 0.08%). This missense change has been observed in individual(s) with clinical features of POLG-related conditions (PMID: 18546365, 27826120). ClinVar contains an entry for this variant (Variation ID: 206619). Invitae Evidence Modeling of protein sequence and biophysical properties (such as structural, functional, and spatial information, amino acid conservation, physicochemical variation, residue mobility, and thermodynamic stability) indicates that this missense variant is expected to disrupt POLG protein function with a positive predictive value of 95%. Experimental studies have shown that this missense change does not substantially affect POLG function (PMID: 20185557). In summary, the available evidence is currently insufficient to determine the role of this variant in disease. Therefore, it has been classified as a Variant of Uncertain Significance.

PreventionGenetics, part of Exact Sciences
Classification: Uncertain significance for POLG-related condition. Last evaluated: 2025-12-30. Review status: criteria provided, single submitter. Criteria: ACMG Guidelines, 2015. Collection method: clinical testing. Allele origin: germline.
Comment: The POLG c.328C>T variant is predicted to result in the amino acid substitution p.His110Tyr. This variant has been reported in individuals with POLG-related disorders; however, pathogenicity was not established with functional or segregation analysis (Wong et al. 2008. PubMed ID: 18546365; Sonam et al. 2016. PubMed ID: 27826120). This variant is reported in 0.079% of alleles in individuals of African descent in gnomAD which may be too frequent for a disease-causing variant. Although we suspect that this variant may be benign, at this time, the clinical significance of this variant is uncertain due to the absence of conclusive functional and genetic evidence.

GeneDx
Classification: Uncertain significance. Last evaluated: 2025-10-31. Review status: criteria provided, single submitter. Criteria: GeneDx Variant Classification Process June 2021. Collection method: clinical testing. Allele origin: germline. Affected: yes.
Comment: Reported previously in the heterozygous state in a child with chronic progressive external ophthalmoplegia and complex I deficiency with no second variant identified; however, segregation information was not provided (PMID: 27826120); In silico analysis supports that this missense variant has a deleterious effect on protein structure/function; This variant is associated with the following publications: (PMID: 18546365, 20185557, 33469851, 32348839, 28480171, 30214008, 26934580, 27826120)

Athena Diagnostics
Classification: Uncertain significance. Last evaluated: 2025-01-14. Review status: criteria provided, single submitter. Criteria: Athena Diagnostics Criteria. Collection method: clinical testing. Allele origin: unknown.
Comment: Available data are insufficient to determine the clinical significance of the variant at this time. The frequency of this variant in the general population is uninformative in assessment of its pathogenicity. Experimental evidence in a yeast system show that the variant behaves similarly to the wild type protein (PMID: 20185557). However, this has not been tested in a mammalian system

Fulgent Genetics
Classification: Uncertain significance for Progressive external ophthalmoplegia with mitochondrial DNA deletions, autosomal dominant 1; Progressive sclerosing poliodystrophy; Progressive external ophthalmoplegia with mitochondrial DNA deletions, autosomal recessive 1; Sensory ataxic neuropathy, dysarthria, and ophthalmoparesis; Mitochondrial DNA depletion syndrome 4b. Last evaluated: 2024-02-23. Review status: criteria provided, single submitter. Criteria: ACMG Guidelines, 2015. Collection method: clinical testing. Allele origin: germline.

Mayo Clinic Laboratories, Mayo Clinic
Classification: Uncertain significance. Last evaluated: 2022-07-22. Review status: criteria provided, single submitter. Criteria: ACMG Guidelines, 2015. Collection method: clinical testing. Allele origin: germline. Observed: 2 variant alleles.

Women's Health and Genetics/Laboratory Corporation of America, LabCorp
Classification: Uncertain significance. Last evaluated: 2021-12-20. Review status: criteria provided, single submitter. Criteria: LabCorp Variant Classification Summary - May 2015. Collection method: clinical testing. Allele origin: germline.
Comment: Variant summary: POLG c.328C>T (p.His110Tyr) results in a conservative amino acid change in the encoded protein sequence. Three of five in-silico tools predict a damaging effect of the variant on protein function. The variant allele was found at a frequency of 0.00018 in 238934 control chromosomes (gnomAD). c.328C>T has been reported in the literature in individuals affected with features of Alpers syndrome, chronic progressive external ophthalmoplegia and sensory ataxic neuropathy with cerebellar syndrome (Wong_2008, Sonam_2017, Deepha_2021). These reports do not provide unequivocal conclusions about association of the variant with POLG-Related Spectrum Disorders. Experimental evidence evaluating an impact on protein function in yeast assays, demonstrated the variant to function similarly to wild-type (Stumpf_2010). Seven ClinVar submitters (evaluation after 2014) cite the variant as uncertain significance and one ClinVar submitter (evaluation after 2014) cites it as benign. Based on the evidence outlined above, the variant was classified as uncertain significance.

Ambry Genetics
Classification: Uncertain significance for Inborn genetic diseases. Last evaluated: 2019-09-04. Review status: criteria provided, single submitter. Criteria: Ambry Variant Classification Scheme 2023. Collection method: clinical testing. Allele origin: germline.
Comment: The p.H110Y variant (also known as c.328C>T), located in coding exon 1 of the POLG gene, results from a C to T substitution at nucleotide position 328. The histidine at codon 110 is replaced by tyrosine, an amino acid with similar properties. This amino acid position is highly conserved in available vertebrate species. In addition, this alteration is predicted to be deleterious by in silico analysis. Since supporting evidence is limited at this time, the clinical significance of this alteration remains unclear.

Wong Mito Lab, Molecular and Human Genetics, Baylor College of Medicine
Classification: Benign for Progressive sclerosing poliodystrophy. Last evaluated: 2018-10-01. Review status: criteria provided, single submitter. Criteria: ACMG Guidelines, 2015. Collection method: clinical testing. Allele origin: germline.
Comment: The NM_002693.2:c.328C>T (NP_002684.1:p.His110Tyr) [GRCH38: NC_000015.10:g.89333427G>A] variant in POLG gene is interpretated to be a Benign based on ACMG guidelines (PMID: 25741868). This variant meets the following evidence codes reported in the ACMG-guideline. BS2:Observation of the variant in controls is inconsistent with penetrance of Mitochondrial DNA depletion syndrome 4A (Alpers type). BS3:Well-established functional studies show no deleterious effect. Based on the evidence criteria codes applied, the variant is suggested to be Benign.

Eurofins Ntd Llc (ga)
Classification: Uncertain significance. Last evaluated: 2017-01-20. Review status: criteria provided, single submitter. Criteria: EGL Classification Definitions 2015. Collection method: clinical testing. Allele origin: germline. Observed: 2 variant alleles, 2 heterozygotes.

Center for Genomics, Ann and Robert H. Lurie Children's Hospital of Chicago
Classification: Uncertain significance for Sensory ataxic neuropathy, dysarthria, and ophthalmoparesis; Mitochondrial DNA depletion syndrome 4b; Progressive sclerosing poliodystrophy; Progressive external ophthalmoplegia with mitochondrial DNA deletions, autosomal dominant 1; Progressive external ophthalmoplegia with mitochondrial DNA deletions, autosomal recessive 1. Review status: criteria provided, single submitter. Criteria: ACMG Guidelines, 2015. Collection method: clinical testing. Allele origin: germline.
Comment: POLG NM_002693.2 exon 2 p.His110Tyr (c.328C>T): This variant has been reported in the literature in 1 individual with features of Alpers syndrome (hypotonia, failure to thrive, short stature and respiratory failure) (Wong 2008 PMID:18546365). This variant is present in 0.07% (19/24074) of African alleles in the Genome Aggregation Database. This variant is present in ClinVar (Variation ID:206619). Evolutionary conservation and computational predictive tools suggest that this variant may impact the protein. Functional studies involving yeast suggest that this variant may not impact the protein (Stumpf 2010 PMID:20185557). However, these studies may not accurately represent human biological function. In summary, data on this variant is insufficient for disease classification. Therefore, the clinical significance of this variant is uncertain.

Literature cited by the submitters: PubMed 18546365 (cited by 4 submitters); PubMed 27826120 (cited by 4 submitters); PubMed 20185557 (cited by 4 submitters); PubMed 33469851 (cited by Athena Diagnostics and Women's Health and Genetics/Laboratory Corporation of America, LabCorp); PubMed 28480171 (cited by Athena Diagnostics); PubMed 32305867 (cited by Athena Diagnostics).